The following is an entry in ClinVar:

ClinVar aggregate classification (germline): Likely pathogenic (1 of 4 stars; one submission).

Conditions:
Hereditary spastic paraplegia 30. Identifiers: Orphanet 101010, MedGen C5235139, MONDO:0012476.
Neuropathy, hereditary sensory, type 2C. Also called: KIF1A-Related HSAN2 (HSAN2C); Hereditary sensory and autonomic neuropathy type IIC. Identifiers: Orphanet 970, MedGen C3280168, MONDO:0013634, OMIM 614213.
Intellectual disability, autosomal dominant 9 (NESCAVS). Also called: KIF1A-Related Neurodevelopmental Disorder; NESCAV SYNDROME. Identifiers: Orphanet 662367, MedGen C5393830, MONDO:0013656, OMIM 614255.

Submission:

Labcorp Genetics (formerly Invitae), Labcorp
Classification: Likely pathogenic for Hereditary spastic paraplegia 30; Neuropathy, hereditary sensory, type 2C; Intellectual disability, autosomal dominant 9. Last evaluated: 2024-03-07. Review status: criteria provided, single submitter. Criteria: Invitae Variant Classification Sherloc (09022015). Collection method: clinical testing. Allele origin: germline.
Comment: This sequence change affects a donor splice site in intron 10 of the KIF1A gene. It is expected to disrupt RNA splicing. Variants that disrupt the donor or acceptor splice site typically lead to a loss of protein function (PMID: 16199547), and loss-of-function variants in KIF1A are known to be pathogenic (PMID: 21820098). This variant is not present in population databases (gnomAD no frequency). This variant has not been reported in the literature in individuals affected with KIF1A-related conditions. ClinVar contains an entry for this variant (Variation ID: 1472010). Algorithms developed to predict the effect of sequence changes on RNA splicing suggest that this variant may disrupt the consensus splice site. In summary, the currently available evidence indicates that the variant is pathogenic, but additional data are needed to prove that conclusively. Therefore, this variant has been classified as Likely Pathogenic.

Literature cited by the submitters: PubMed 16199547; PubMed 21820098.

NM_001244008.2(KIF1A):c.958+1G>C

Gene: KIF1A (kinesin family member 1A; minus strand). Cytogenetic location: 2q37.3.
Variant type: single nucleotide variant.
Coding change: c.958+1G>C on transcript NM_001244008.2 (MANE Select); the canonical splice donor site of the intron after coding-DNA position 958, G replaced by C.
Molecular consequence: splice donor variant.
Genome position (GRCh38, 1-based): chr2:240,775,850, C>G on the plus strand (G>C on the coding strand, the complement: KIF1A is on the minus strand). VCF-style: chr2-240775850-C-G. GRCh37 (hg19) VCF-style: chr2-241715267-C-G.
Other names: c.958+1G>C (NM_001379653.1, NM_001379650.1, NM_001379645.1 and 20 more transcripts).
Identifiers: ClinVar variation 1472010 (VCV001472010.6), dbSNP rs780380861, ClinGen allele CA351297547.